The following is an entry in ClinVar:

NM_001395498.1(TIMM17B):c.15T>C (p.Ala5=)

Gene: TIMM17B (translocase of inner mitochondrial membrane 17B; minus strand). Cytogenetic location: Xp11.23.
Variant type: single nucleotide variant.
Coding change: c.15T>C on transcript NM_001395498.1 (MANE Select); coding-DNA position 15, T replaced by C.
Protein change: p.Ala5=; no amino-acid change (alanine 5 retained).
Molecular consequence: synonymous variant.
Genome position (GRCh38, 1-based): chrX:48,897,735, A>G on the plus strand (T>C on the coding strand, the complement: TIMM17B is on the minus strand). VCF-style: chrX-48897735-A-G. GRCh37 (hg19) VCF-style: chrX-48755018-A-G.
Other names: c.15T>C, p.Ala5= (NM_001167947.2, NM_001395497.1, NM_005834.5).
Identifiers: ClinVar variation 2660482 (VCV002660482.24), dbSNP rs782364866, ClinGen allele CA10405797.

ClinVar aggregate classification (germline): Likely benign (1 of 4 stars; one submission).

Allele frequency attached by ClinVar (database versions not stated): gnomAD exomes below 0.00001; ExAC 0.00001.

Submission:

CeGaT Center for Human Genetics Tuebingen
Classification: Likely benign. Last evaluated: 2022-12-01. Review status: criteria provided, single submitter. Criteria: CeGaT Center For Human Genetics Tuebingen Variant Classification Criteria Version 2. Collection method: clinical testing. Allele origin: germline. Affected: yes. Observed: 1 variant allele.
Comment: TIMM17B: BP4, BP7